The following is an entry in ClinVar:

ClinVar aggregate classification (germline): Uncertain significance. Review status: criteria provided, multiple submitters, no conflicts (2 of 4 stars). 2 submissions from 2 submitters: Uncertain significance (2). Last evaluated 2021-12-08.

Conditions:
Primary ciliary dyskinesia. Also called: Ciliary dyskinesia. Identifiers: Orphanet 244, MedGen C0008780, MONDO:0016575, HP:0012265.

Submissions (2):

Labcorp Genetics (formerly Invitae), Labcorp
Classification: Uncertain significance for Primary ciliary dyskinesia. Last evaluated: 2021-12-08. Review status: criteria provided, single submitter. Criteria: Invitae Variant Classification Sherloc (09022015). Collection method: clinical testing. Allele origin: germline.
Comment: This sequence change replaces valine, which is neutral and non-polar, with aspartic acid, which is acidic and polar, at codon 1846 of the DNAH11 protein (p.Val1846Asp). This variant is not present in population databases (gnomAD no frequency). This variant has not been reported in the literature in individuals affected with DNAH11-related conditions. ClinVar contains an entry for this variant (Variation ID: 163106). Algorithms developed to predict the effect of missense changes on protein structure and function are either unavailable or do not agree on the potential impact of this missense change (SIFT: "Deleterious"; PolyPhen-2: "Probably Damaging"; Align-GVGD: "Class C15"). In summary, the available evidence is currently insufficient to determine the role of this variant in disease. Therefore, it has been classified as a Variant of Uncertain Significance.

Laboratory for Molecular Medicine, Mass General Brigham Personalized Medicine
Classification: Uncertain significance. Last evaluated: 2017-07-27. Review status: criteria provided, single submitter. Criteria: LMM Criteria. Collection method: clinical testing. Allele origin: germline. Observed: 2 variant alleles.
Comment: The p.Val1846Asp variant in DNAH11 has not been previously identified in individ uals with pulmonary disease or in large population studies. Computational predic tion tools and conservation analysis do not provide strong support for or agains t an impact to the protein. In summary, the clinical significance of the p.Val18 46Asp variant is uncertain.

NM_001277115.2(DNAH11):c.5537T>A (p.Val1846Asp)

Gene: DNAH11 (dynein axonemal heavy chain 11; plus strand). Cytogenetic location: 7p15.3.
Variant type: single nucleotide variant.
Coding change: c.5537T>A on transcript NM_001277115.2 (MANE Select); coding-DNA position 5537, T replaced by A.
Protein change: p.Val1846Asp; replaces valine 1846 with aspartic acid.
Molecular consequence: missense variant.
Genome position (GRCh38, 1-based): chr7:21,683,860, T>A. VCF-style: chr7-21683860-T-A. GRCh37 (hg19) VCF-style: chr7-21723478-T-A.
Other names: short protein forms V1846D.
Identifiers: ClinVar variation 163106 (VCV000163106.7), dbSNP rs727502968, ClinGen allele CA175722.
Genomic context (GRCh38, chr7:21,683,860, plus strand): 5'-CTTTTACATGGCTGTCTCAACTTCGTCACCGATGGGAGGATACCCAGAAACACTGCTTTG[T>A]TAATATTTGTGATGCCCAGTTCCAGTACTTCTATGAATACTTAGGAAACAGCCCTCGACT-3'
Protein context (NP_001264044.1, residues 1836-1856): RWEDTQKHCF[Val1846Asp]NICDAQFQYF